The following is an entry in ClinVar:

NM_001195.5(BFSP1):c.107C>T (p.Ala36Val)

Gene: BFSP1 (beaded filament structural protein 1; minus strand). Cytogenetic location: 20p12.1.
Variant type: single nucleotide variant.
Coding change: c.107C>T on transcript NM_001195.5 (MANE Select); coding-DNA position 107, C replaced by T.
Protein change: p.Ala36Val; replaces alanine 36 with valine.
Molecular consequence: missense variant. On other transcripts: intron variant (4).
Genome position (GRCh38, 1-based): chr20:17,531,223, G>A on the plus strand (C>T on the coding strand, the complement: BFSP1 is on the minus strand). VCF-style: chr20-17531223-G-A. GRCh37 (hg19) VCF-style: chr20-17511868-G-A.
Other names: c.107C>T, p.Ala36Val (NM_001424338.1); c.-40-6315C>T (NM_001278608.2, NM_001278606.2); c.45-6315C>T (NM_001278607.2); c.3-6315C>T (NM_001161705.2); short protein forms A36V.
Identifiers: ClinVar variation 3039275 (VCV003039275.3), dbSNP rs549462369, ClinGen allele CA9772390.
Genomic context (GRCh38, chr20:17,531,223, plus strand): 5'-TGGACGTGGGCGGCCACGCGCTCGCCGAGCCCCTGCAGCGCCGCCAGGCTCGTTGCCCCA[G>A]CCCAGCCCTCGTCGGCCGGGCGCTCGGGCTCGGCGGCGCGCGAAGCCTCGTCGGCGTGCT-3'
Protein context (NP_001186.1, residues 26-46): EPERPADEGW[Ala36Val]GATSLAALQG

ClinVar aggregate classification (germline): Likely benign. Review status: criteria provided, single submitter (1 of 4 stars). 2 submissions from 2 submitters: Likely benign (1). 1 of the submissions does not count toward it. Last evaluated 2024-11-26.

Conditions:
BFSP1-related disorder. Also called: BFSP1-related condition.

Allele frequency attached by ClinVar (database versions not stated): 1000 Genomes Project 0.00080; 1000 Genomes Project 30x 0.00156; gnomAD 0.00227; ExAC 0.01560.
gnomAD v4.1: 4,738 of 1,381,044 alleles (0.34%); highest among the groups gnomAD compares: Middle Eastern, 0.43%; 11 homozygotes.

Submissions (2):

Blueprint Genetics
Classification: Likely benign. Last evaluated: 2024-11-26. Review status: criteria provided, single submitter. Criteria: ACMG Guidelines, 2015. Collection method: clinical testing. Allele origin: germline.

PreventionGenetics, part of Exact Sciences
Classification: Likely benign for BFSP1-related condition. Last evaluated: 2022-06-08. Review status: no assertion criteria provided. Collection method: clinical testing. Allele origin: germline. Not counted in ClinVar's aggregate classification.
Comment: This variant is classified as likely benign based on ACMG/AMP sequence variant interpretation guidelines (Richards et al. 2015 PMID: 25741868, with internal and published modifications).